The following is an entry in ClinVar:

ClinVar aggregate classification (germline): Benign/Likely benign. Review status: criteria provided, multiple submitters, no conflicts (2 of 4 stars). 2 submissions from 2 submitters: Benign (1); Likely benign (1). Last evaluated 2025-12-16.

Conditions:
Infantile neuroaxonal dystrophy (NBIA2A). Also called: NEURODEGENERATION WITH BRAIN IRON ACCUMULATION 2A; Infantile neuroaxonal dystrophy 1; SEITELBERGER DISEASE. Identifiers: Orphanet 35069, MedGen C0270724, MONDO:0024457, OMIM 256600.

Allele frequency attached by ClinVar (database versions not stated): gnomAD 0.00005 and 0.00009; ESP Exome Variant Server 0.00015; gnomAD exomes 0.00017; ExAC 0.00028; 1000 Genomes Project 0.00040; 1000 Genomes Project 30x 0.00047.

Submissions (2):

Labcorp Genetics (formerly Invitae), Labcorp
Classification: Benign for Infantile neuroaxonal dystrophy. Last evaluated: 2025-12-16. Review status: criteria provided, single submitter. Criteria: Invitae Variant Classification Sherloc (09022015). Collection method: clinical testing. Allele origin: germline.

CeGaT Center for Human Genetics Tuebingen
Classification: Likely benign. Last evaluated: 2023-10-01. Review status: criteria provided, single submitter. Criteria: CeGaT Center For Human Genetics Tuebingen Variant Classification Criteria Version 2. Collection method: clinical testing. Allele origin: germline. Affected: yes. Observed: 1 variant allele.
Comment: PLA2G6: BP4, BP7

NM_003560.4(PLA2G6):c.2355C>T (p.Thr785=)

Gene: PLA2G6 (phospholipase A2 group VI; minus strand). Cytogenetic location: 22q13.1.
Variant type: single nucleotide variant.
Coding change: c.2355C>T on transcript NM_003560.4 (MANE Select); coding-DNA position 2355, C replaced by T.
Protein change: p.Thr785=; no amino-acid change (threonine 785 retained).
Molecular consequence: synonymous variant.
Genome position (GRCh38, 1-based): chr22:38,112,227, G>A on the plus strand (C>T on the coding strand, the complement: PLA2G6 is on the minus strand). VCF-style: chr22-38112227-G-A. GRCh37 (hg19) VCF-style: chr22-38508234-G-A.
Other names: c.2193C>T, p.Thr731= (NM_001004426.3, NM_001199562.3, NM_001349865.2 and 1 more transcripts); c.2355C>T, p.Thr785= (NM_001349864.2); c.1821C>T, p.Thr607= (NM_001349867.2); c.1677C>T, p.Thr559= (NM_001349868.2); c.1659C>T, p.Thr553= (NM_001349869.2).
Identifiers: ClinVar variation 1164545 (VCV001164545.32), dbSNP rs146591896, ClinGen allele CA10230531.